The following is an entry in ClinVar:

NM_015450.3(POT1):c.28A>G (p.Ile10Val)

Gene: POT1 (protection of telomeres 1; minus strand). Cytogenetic location: 7q31.33.
Variant type: single nucleotide variant.
Coding change: c.28A>G on transcript NM_015450.3 (MANE Select); coding-DNA position 28, A replaced by G.
Protein change: p.Ile10Val; replaces isoleucine 10 with valine.
Molecular consequence: missense variant. On other transcripts: 5 prime UTR variant (1), non-coding transcript variant (3).
Genome position (GRCh38, 1-based): chr7:124,892,362, T>C on the plus strand (A>G on the coding strand, the complement: POT1 is on the minus strand). VCF-style: chr7-124892362-T-C. GRCh37 (hg19) VCF-style: chr7-124532416-T-C.
Other names: c.-235A>G (NM_001042594.2); c.28A>G (NM_015450.2); short protein forms I10V.
Identifiers: ClinVar variation 2694462 (VCV002694462.4), dbSNP rs1584792042, ClinGen allele CA369066272.

ClinVar aggregate classification (germline): Conflicting classifications of pathogenicity. Review status: criteria provided, conflicting classifications (1 of 4 stars). 2 submissions from 2 submitters: Uncertain significance (1); Likely benign (1). Last evaluated 2025-02-12.

Conditions:
Tumor predisposition syndrome 3 (TPDS3). Also called: Glioma susceptibility 9; LONG TELOMERE SYNDROME, POT1-RELATED; POT1 Tumor Predisposition; Melanoma, cutaneous malignant, susceptibility to, 10. Identifiers: Orphanet 618, MedGen C4014476, MONDO:0014368, OMIM 615848.
Hereditary cancer-predisposing syndrome. Also called: Neoplastic Syndromes, Hereditary; Tumor predisposition; Hereditary Cancer Syndrome; Hereditary neoplastic syndrome. Identifiers: Orphanet 140162, MedGen C0027672, MeSH D009386, MONDO:0015356.

Submissions (2):

Ambry Genetics
Classification: Likely benign for Hereditary cancer-predisposing syndrome. Last evaluated: 2025-02-12. Review status: criteria provided, single submitter. Criteria: Ambry Variant Classification Scheme 2023. Collection method: clinical testing. Allele origin: germline.

Labcorp Genetics (formerly Invitae), Labcorp
Classification: Uncertain significance for Tumor predisposition syndrome 3. Last evaluated: 2024-01-27. Review status: criteria provided, single submitter. Criteria: Invitae Variant Classification Sherloc (09022015). Collection method: clinical testing. Allele origin: germline.
Comment: This sequence change replaces isoleucine, which is neutral and non-polar, with valine, which is neutral and non-polar, at codon 10 of the POT1 protein (p.Ile10Val). This variant is not present in population databases (gnomAD no frequency). This variant has not been reported in the literature in individuals affected with POT1-related conditions. Advanced modeling of protein sequence and biophysical properties (such as structural, functional, and spatial information, amino acid conservation, physicochemical variation, residue mobility, and thermodynamic stability) performed at Invitae indicates that this missense variant is not expected to disrupt POT1 protein function with a negative predictive value of 80%. In summary, the available evidence is currently insufficient to determine the role of this variant in disease. Therefore, it has been classified as a Variant of Uncertain Significance.